The following is an entry in ClinVar:

NM_000051.4(ATM):c.1438T>G (p.Leu480Val)

Gene: ATM (ATM serine/threonine kinase; plus strand). Cytogenetic location: 11q22.3.
Variant type: single nucleotide variant.
Coding change: c.1438T>G on transcript NM_000051.4 (MANE Select); coding-DNA position 1438, T replaced by G.
Protein change: p.Leu480Val; replaces leucine 480 with valine.
Molecular consequence: missense variant.
Genome position (GRCh38, 1-based): chr11:108,250,903, T>G. VCF-style: chr11-108250903-T-G. GRCh37 (hg19) VCF-style: chr11-108121630-T-G.
Other names: c.1438T>G, p.Leu480Val (NM_001351834.2); short protein forms L480V.
Identifiers: ClinVar variation 246406 (VCV000246406.2), dbSNP rs879254243, ClinGen allele CA10584323.

ClinVar aggregate classification (germline): Uncertain significance (1 of 4 stars; one submission).

Submission:

GeneDx
Classification: Uncertain significance. Last evaluated: 2016-02-10. Review status: criteria provided, single submitter. Criteria: GeneDx Variant Classification (06012015). Collection method: clinical testing. Allele origin: germline. Affected: yes.
Comment: This variant is denoted ATM c.1438T>G at the cDNA level, p.Leu480Val (L480V) at the protein level, and results in the change of a Leucine to a Valine (TTA>GTA). This variant has not, to our knowledge, been published in the literature as pathogenic or benign. ATM Leu480Val was not observed in approximately 6,500 individuals of European and African American ancestry in the NHLBI Exome Sequencing Project, suggesting it is not a common benign variant in these populations. Since Leucine and Valine share similar properties, this is considered a conservative amino acid substitution. ATM Leu480Val occurs at a position that is conserved across species and is not located in a known functional domain (Tavtigian 2009, Stracker 2013). In silico analyses predict that this variant is probably damaging to protein structure and function. Based on currently available evidence, it is unclear whether ATM Leu480Val is a pathogenic or benign variant. We consider it to be a variant of uncertain significance.